The following is an entry in ClinVar:

ClinVar aggregate classification (germline): Likely pathogenic. Review status: criteria provided, single submitter (1 of 4 stars). 2 submissions from 2 submitters: Likely pathogenic (1). 1 of the submissions does not count toward it. Last evaluated 2021-08-12.

Conditions:
Cardiovascular phenotype. Identifiers: MedGen CN230736.
Hypertrophic cardiomyopathy. Also called: HYPERTROPHIC MYOCARDIOPATHY. Identifiers: Orphanet 217569, MedGen C0007194, MeSH D002312, MONDO:0005045, HP:0001639.

Submissions (2):

Ambry Genetics
Classification: Likely pathogenic for Cardiovascular phenotype. Last evaluated: 2021-08-12. Review status: criteria provided, single submitter. Criteria: Ambry Variant Classification Scheme 2023. Collection method: clinical testing. Allele origin: germline.
Comment: The p.N269K variant (also known as c.807C>A), located in coding exon 14 of the TNNT2 gene, results from a C to A substitution at nucleotide position 807. The asparagine at codon 269 is replaced by lysine, an amino acid with similar properties. This alteration has been reported in individuals with hypertrophic cardiomyopathy (HCM), including as de novo occurrences in unrelated probands (Kassem HS et al. J Cardiovasc Transl Res, 2013 Feb;6:65-80; Coppini R et al. J Am Coll Cardiol, 2014 Dec;64:2589-2600; Walsh R et al. Genet Med, 2017 02;19:192-203; LMM pers. comm.). This variant is considered to be rare based on population cohorts in the Genome Aggregation Database (gnomAD). This amino acid position is not well conserved in available vertebrate species. In addition, this alteration is predicted to be tolerated by in silico analysis. Based on the majority of available evidence to date, this variant is likely to be pathogenic.

Laboratory for Molecular Medicine, Mass General Brigham Personalized Medicine
Classification: Likely pathogenic for Hypertrophic cardiomyopathy. Last evaluated: 2013-02-13. Review status: no assertion criteria provided. Collection method: clinical testing. Allele origin: germline. Observed: 1 variant allele. Not counted in ClinVar's aggregate classification.
Comment: proposed classification - variant undergoing re-assessment, contact laboratory

Literature cited by the submitters: PubMed 23233322 (cited by Ambry Genetics and Laboratory for Molecular Medicine, Mass General Brigham Personalized Medicine); PubMed 25524337 (cited by Ambry Genetics); PubMed 27532257 (cited by Ambry Genetics).

NM_001276345.2(TNNT2):c.837C>A (p.Asn279Lys)

Gene: TNNT2 (troponin T2, cardiac type; minus strand). Cytogenetic location: 1q32.1.
Variant type: single nucleotide variant.
Coding change: c.837C>A on transcript NM_001276345.2 (MANE Select); coding-DNA position 837, C replaced by A.
Protein change: p.Asn279Lys; replaces asparagine 279 with lysine.
Molecular consequence: missense variant.
Genome position (GRCh38, 1-based): chr1:201,359,637, G>T on the plus strand (C>A on the coding strand, the complement: TNNT2 is on the minus strand). VCF-style: chr1-201359637-G-T. GRCh37 (hg19) VCF-style: chr1-201328765-G-T.
Other names: c.828C>A, p.Asn276Lys (NM_000364.4); c.807C>A, p.Asn269Lys (NM_001001430.3, NM_001276347.2); c.798C>A, p.Asn266Lys (NM_001001431.3); c.789C>A, p.Asn263Lys (NM_001001432.3); c.708C>A, p.Asn236Lys (NM_001276346.2); short protein forms N269K, N276K, N236K, N263K, N266K, N279K.
Identifiers: ClinVar variation 177855 (VCV000177855.7), dbSNP rs376923877, ClinGen allele CA005173.